The following is an entry in ClinVar:

NM_000133.4(F9):c.808G>A (p.Glu270Lys)

Gene: F9 (coagulation factor IX; plus strand). Cytogenetic location: Xq27.1.
Variant type: single nucleotide variant.
Coding change: c.808G>A on transcript NM_000133.4 (MANE Select); coding-DNA position 808, G replaced by A.
Protein change: p.Glu270Lys; replaces glutamic acid 270 with lysine.
Molecular consequence: missense variant.
Genome position (GRCh38, 1-based): chrX:139,560,825, G>A. VCF-style: chrX-139560825-G-A. GRCh37 (hg19) VCF-style: chrX-138642984-G-A.
Other names: c.694G>A, p.Glu232Lys (NM_001313913.2); short protein forms E232K, E270K.
Identifiers: ClinVar variation 3375053 (VCV003375053.1).

ClinVar aggregate classification (germline): Uncertain significance (1 of 4 stars; one submission).

gnomAD v4.1: 3 of 1,206,098 alleles (0.00025%); highest among the groups gnomAD compares: Non-Finnish European, 0.00034%; no homozygotes.

Submission:

Women's Health and Genetics/Laboratory Corporation of America, LabCorp
Classification: Uncertain significance. Last evaluated: 2024-09-04. Review status: criteria provided, single submitter. Criteria: LabCorp Variant Classification Summary - May 2015. Collection method: clinical testing. Allele origin: germline.
Comment: Variant summary: F9 c.808G>A (p.Glu270Lys) results in a conservative amino acid change located in the Serine proteases, trypsin domain (IPR0012540) of the encoded protein sequence. Five of five in-silico tools predict a benign effect of the variant on protein function. The variant was absent in 183438 control chromosomes. The available data on variant occurrences in the general population are insufficient to allow any conclusion about variant significance. c.808G>A has been reported in the literature in at least one hemizygous individual affected with Factor IX Deficiency (Hemophilia B) (e..g, Rydz_2013). However, these data do not allow any conclusion about variant significance. To our knowledge, no experimental evidence demonstrating an impact on protein function has been reported. The following publication has been ascertained in the context of this evaluation (PMID: 23913812). No submitters have cited clinical-significance assessments for this variant to ClinVar. Based on the evidence outlined above, the variant was classified as uncertain significance.

Literature cited by the submitters: PubMed 23913812.